The following is an entry in ClinVar:

NM_001364905.1(LRBA):c.5227A>G (p.Ser1743Gly)

Gene: LRBA (LPS responsive beige-like anchor protein; minus strand). Cytogenetic location: 4q31.3.
Variant type: single nucleotide variant.
Coding change: c.5227A>G on transcript NM_001364905.1 (MANE Select); coding-DNA position 5227, A replaced by G.
Protein change: p.Ser1743Gly; replaces serine 1743 with glycine.
Molecular consequence: missense variant.
Genome position (GRCh38, 1-based): chr4:150,817,202, T>C on the plus strand (A>G on the coding strand, the complement: LRBA is on the minus strand). VCF-style: chr4-150817202-T-C. GRCh37 (hg19) VCF-style: chr4-151738354-T-C.
Other names: c.5227A>G, p.Ser1743Gly (NM_001199282.3, NM_001367550.1, NM_006726.5); short protein forms S1743G.
Identifiers: ClinVar variation 1337560 (VCV001337560.9), dbSNP rs768830356, ClinGen allele CA108422609.

ClinVar aggregate classification (germline): Uncertain significance. Review status: criteria provided, multiple submitters, no conflicts (2 of 4 stars). 3 submissions from 3 submitters: Uncertain significance (3). Last evaluated 2024-11-01.

Conditions:
Combined immunodeficiency due to LRBA deficiency. Also called: Common variable immunodeficiency 8, with autoimmunity. Identifiers: Orphanet 445018, MedGen C3553512, MONDO:0013863, OMIM 614700.

Allele frequency attached by ClinVar (database versions not stated): gnomAD exomes 0.00001.
gnomAD v4.1: 13 of 1,612,326 alleles (0.00081%); highest among the groups gnomAD compares: African/African-American, 0.0013%; no homozygotes.

Submissions (3):

ARUP Laboratories, Molecular Genetics and Genomics, ARUP Laboratories
Classification: Uncertain significance for Combined immunodeficiency due to LRBA deficiency. Last evaluated: 2024-11-01. Review status: criteria provided, single submitter. Criteria: ARUP Molecular Germline Variant Investigation Process 2024. Collection method: clinical testing. Allele origin: germline.
Comment: The LRBA c.5227A>G; p.Ser1743Gly variant (rs768830356), to our knowledge, is not reported in the medical literature but is reported in ClinVar (Variation ID: 1337560). This variant is also absent from the Genome Aggregation Database (v2.1.1), indicating it is not a common polymorphism. Computational analyses predict that this variant is neutral (REVEL: 0.143), but other computational analyses (Alamut Visual Plus v.1.5.1) predict that this variant may impact splicing by creating a novel cryptic acceptor splice site. However, without functional studies the effect of this variant on splicing is uncertain. Due to limited information, the clinical significance of this variant is uncertain at this time.

Labcorp Genetics (formerly Invitae), Labcorp
Classification: Uncertain significance for Combined immunodeficiency due to LRBA deficiency. Last evaluated: 2023-03-13. Review status: criteria provided, single submitter. Criteria: Invitae Variant Classification Sherloc (09022015). Collection method: clinical testing. Allele origin: germline.
Comment: In summary, the available evidence is currently insufficient to determine the role of this variant in disease. Therefore, it has been classified as a Variant of Uncertain Significance. Algorithms developed to predict the effect of sequence changes on RNA splicing suggest that this variant may create or strengthen a splice site. Algorithms developed to predict the effect of missense changes on protein structure and function output the following: SIFT: "Not Available"; PolyPhen-2: "Benign"; Align-GVGD: "Not Available". The glycine amino acid residue is found in multiple mammalian species, which suggests that this missense change does not adversely affect protein function. ClinVar contains an entry for this variant (Variation ID: 1337560). This variant has not been reported in the literature in individuals affected with LRBA-related conditions. This variant is not present in population databases (gnomAD no frequency). This sequence change replaces serine, which is neutral and polar, with glycine, which is neutral and non-polar, at codon 1743 of the LRBA protein (p.Ser1743Gly).

Genetic Services Laboratory, University of Chicago
Classification: Uncertain significance. Last evaluated: 2020-03-03. Review status: criteria provided, single submitter. Criteria: ACMG Guidelines, 2015. Collection method: clinical testing. Allele origin: germline. Affected: no.
Comment: DNA sequence analysis of the LRBA gene demonstrated a sequence change, c.5227A>G, in exon 31 that results in an amino acid change, p.Ser1743Gly. This sequence change does not appear to have been previously described in patients with LRBA-related disorders. This sequence change is absent from the large population databases (ExAC and gnomAD). The p.Ser1743Gly change affects a poorly conserved amino acid residue located in a domain of the LRBA protein that is not known to be functional. In-silico pathogenicity prediction tools (SIFT, PolyPhen2, Align GVGD, REVEL and Splicing predictions) provide contradictory results for the p.Ser1743Gly substitution. Due to these contrasting evidences and the lack of functional studies, the clinical significance of the p.Ser1743Gly change remains unknown at this time.